The following is an entry in ClinVar:

ClinVar aggregate classification (germline): Uncertain significance (1 of 4 stars; one submission).

Conditions:
Neurofibromatosis, type 1 (NF1). Also called: NEUROFIBROMATOSIS, TYPE I, SOMATIC; VON RECKLINGHAUSEN DISEASE; Peripheral type neurofibromatosis; Neurofibromatosis, type I. Identifiers: Orphanet 636, MedGen C0027831, MONDO:0018975, OMIM 162200. Disease mechanism: loss of function.

Submission:

Labcorp Genetics (formerly Invitae), Labcorp
Classification: Uncertain significance for Neurofibromatosis, type 1. Last evaluated: 2024-01-27. Review status: criteria provided, single submitter. Criteria: Invitae Variant Classification Sherloc (09022015). Collection method: clinical testing. Allele origin: germline.
Comment: This sequence change replaces glutamine, which is neutral and polar, with arginine, which is basic and polar, at codon 1070 of the NF1 protein (p.Gln1070Arg). This variant is not present in population databases (gnomAD no frequency). This variant has not been reported in the literature in individuals affected with NF1-related conditions. ClinVar contains an entry for this variant (Variation ID: 1462971). Advanced modeling of protein sequence and biophysical properties (such as structural, functional, and spatial information, amino acid conservation, physicochemical variation, residue mobility, and thermodynamic stability) has been performed at Invitae for this missense variant, however the output from this modeling did not meet the statistical confidence thresholds required to predict the impact of this variant on NF1 protein function. In summary, the available evidence is currently insufficient to determine the role of this variant in disease. Therefore, it has been classified as a Variant of Uncertain Significance.

NM_001042492.3(NF1):c.3209A>G (p.Gln1070Arg)

Gene: NF1 (neurofibromin 1; plus strand). Cytogenetic location: 17q11.2.
Variant type: single nucleotide variant.
Coding change: c.3209A>G on transcript NM_001042492.3 (MANE Select); coding-DNA position 3209, A replaced by G.
Protein change: p.Gln1070Arg; replaces glutamine 1070 with arginine.
Molecular consequence: missense variant.
Genome position (GRCh38, 1-based): chr17:31,232,084, A>G. VCF-style: chr17-31232084-A-G. GRCh37 (hg19) VCF-style: chr17-29559102-A-G.
Other names: c.3209A>G, p.Gln1070Arg (NM_000267.4); short protein forms Q1070R.
Identifiers: ClinVar variation 1462971 (VCV001462971.6), dbSNP rs2151433679, ClinGen allele CA398988593.